The following is an entry in ClinVar:

ClinVar aggregate classification (germline): Likely benign. Review status: criteria provided, multiple submitters, no conflicts (2 of 4 stars). 2 submissions from 2 submitters: Likely benign (2). Last evaluated 2025-03-25.

Conditions:
Epidermolysis bullosa simplex with nail dystrophy (EBS5D). Identifiers: MedGen C4225309, MONDO:0014661, OMIM 616487.
Epidermolysis bullosa simplex 5B, with muscular dystrophy (EBS5B). Also called: EPIDERMOLYSIS BULLOSA SIMPLEX AND LIMB-GIRDLE MUSCULAR DYSTROPHY; Epidermolysis bullosa simplex with muscular dystrophy. Identifiers: Orphanet 257, MedGen C2931072, MONDO:0009181, OMIM 226670.
Epidermolysis bullosa simplex, Ogna type (EBS5A). Also called: Pidermolysis bullosa simplex 5A, Ogna type; EPIDERMOLYSIS BULLOSA SIMPLEX 5A, OGNA TYPE. Identifiers: Orphanet 79401, MedGen C0432317, MONDO:0007555, OMIM 131950.
Autosomal recessive limb-girdle muscular dystrophy type 2Q (LGMDR17). Also called: MUSCULAR DYSTROPHY, LIMB-GIRDLE, AUTOSOMAL RECESSIVE 17. Identifiers: Orphanet 254361, MedGen C3150989, MONDO:0013390, OMIM 613723.
Epidermolysis bullosa simplex 5C, with pyloric atresia (EBS5C). Also called: PLEC-Related Epidermolysis Bullosa with Pyloric Atresia; Epidermolysis bullosa simplex with pyloric atresia; PLEC1-Related Epidermolysis Bullosa with Pyloric Atresia. Identifiers: Orphanet 158684, MedGen C2677349, MONDO:0012807, OMIM 612138.

Allele frequency attached by ClinVar (database versions not stated): gnomAD 0.00001; ExAC 0.00002; gnomAD exomes 0.00002; TOPMed 0.00002.
gnomAD v4.1: 24 of 1,612,842 alleles (0.0015%); highest among the groups gnomAD compares: Non-Finnish European, 0.0019%; no homozygotes.

Submissions (2):

Labcorp Genetics (formerly Invitae), Labcorp
Classification: Likely benign for Autosomal recessive limb-girdle muscular dystrophy type 2Q; Epidermolysis bullosa simplex, Ogna type; Epidermolysis bullosa simplex with nail dystrophy; Epidermolysis bullosa simplex 5C, with pyloric atresia; Epidermolysis bullosa simplex 5B, with muscular dystrophy. Last evaluated: 2025-03-25. Review status: criteria provided, single submitter. Criteria: Invitae Variant Classification Sherloc (09022015). Collection method: clinical testing. Allele origin: germline.

GeneDx
Classification: Likely benign. Last evaluated: 2016-10-19. Review status: criteria provided, single submitter. Criteria: GeneDx Variant Classification (06012015). Collection method: clinical testing. Allele origin: germline. Affected: yes.
Comment: This variant is considered likely benign or benign based on one or more of the following criteria: it is a conservative change, it occurs at a poorly conserved position in the protein, it is predicted to be benign by multiple in silico algorithms, and/or has population frequency not consistent with disease.

NM_201384.3(PLEC):c.588C>T (p.Ile196=)

Gene: PLEC (plectin; minus strand). Cytogenetic location: 8q24.3.
Variant type: single nucleotide variant.
Coding change: c.588C>T on transcript NM_201384.3 (MANE Select); coding-DNA position 588, C replaced by T.
Protein change: p.Ile196=; no amino-acid change (isoleucine 196 retained).
Molecular consequence: synonymous variant.
Genome position (GRCh38, 1-based): chr8:143,935,862, G>A on the plus strand (C>T on the coding strand, the complement: PLEC is on the minus strand). VCF-style: chr8-143935862-G-A. GRCh37 (hg19) VCF-style: chr8-145010030-G-A.
Other names: c.669C>T, p.Ile223= (NM_000445.5); c.546C>T, p.Ile182= (NM_201378.4); c.522C>T, p.Ile174= (NM_201379.3); c.999C>T, p.Ile333= (NM_201380.4); c.492C>T, p.Ile164= (NM_201381.3); c.588C>T, p.Ile196= (NM_201382.4); c.600C>T, p.Ile200= (NM_201383.3).
Identifiers: ClinVar variation 389427 (VCV000389427.9), dbSNP rs782030366, ClinGen allele CA4928400.
Genomic context (GRCh38, chr8:143,935,862, plus strand): 5'-TGGGGGTGCCCCCAGCCCACAGCCCCCTGCCCCCGGGGCCATGTACTTGTGCCGGTGGAT[G>A]ATGGCATTGAAGAGGCGGCCGTCTCTCCAGCTGGAGGTGAAGTTGTCGCATCGCAGGCCC-3'
Protein context (NP_958786.1, residues 186-206): SWRDGRLFNA[Ile196=]IHRHKPLLID